The following is an entry in ClinVar:

ClinVar aggregate classification (germline): Likely pathogenic (1 of 4 stars; one submission).

Conditions:
Familial hyperparathyroidism or Hypocalciuric hypercalcaemia.

Submission:

Cambridge Genomics Laboratory, East Genomic Laboratory Hub, NHS Genomic Medicine Service
Classification: Likely pathogenic for Familial hyperparathyroidism or Hypocalciuric hypercalcaemia. Last evaluated: 2024-12-19. Review status: criteria provided, single submitter. Criteria: ACGS Best Practice Guidelines for Variant Classification in Rare Disease 2020. Collection method: clinical testing. Allele origin: germline. Affected: yes.
Comment: PVS1_Strong,PM2

NM_000388.4(CASR):c.2292del (p.Cys765fs)

Gene: CASR (calcium sensing receptor; plus strand). Cytogenetic location: 3q21.1.
Variant type: Deletion.
Coding change: c.2292del on transcript NM_000388.4 (MANE Select); coding-DNA position 2292, one base deleted (G; older notation c.2292delG).
Protein change: p.Cys765fs; shifts the reading frame from cysteine 765.
Molecular consequence: frameshift variant.
Genome position (GRCh38, 1-based): chr3:122,284,246, G deleted. VCF-style (leftmost placement, unchanged base first): chr3-122284245-CG-C. GRCh37 (hg19) VCF-style: chr3-122003092-CG-C.
Other names: c.2322del, p.Cys775fs (NM_001178065.2); short protein forms C765fs, C775fs.
Identifiers: ClinVar variation 4682112 (VCV004682112.1).
Genomic context (GRCh38, chr3:122,284,245, plus strand): 5'-ACACCGCGCCCCCGTCAAGCTACCGCAACCAGGAGCTGGAGGATGAGATCATCTTCATCA[CG>C]TGCCACGAGGGCTCCCTCATGGCCCTGGGCTTCCTGATCGGCTACACCTGCCTGCTGGCT-3'